The following is an entry in ClinVar:

ClinVar aggregate classification (germline): Pathogenic (1 of 4 stars; one submission).

Conditions:
Autosomal recessive titinopathy. Identifiers: MedGen CN315649, MONDO:0100493.

Submission:

Myofin, Folkhalsan Research Center
Classification: Pathogenic for Autosomal recessive titinopathy. Last evaluated: 2026-02-06. Review status: criteria provided, single submitter. Criteria: ACMG Guidelines, 2015. Collection method: research. Allele origin: germline. Affected: yes.
Comment: TTN loss-of-function is an established mechanism for autosomal recessive titinopathies. ACMG/AMP criteria applied: PVS1 (predicted loss of function), PM2_Supporting (absent/rare in population databases), and PP4_Supporting (highly consistent clinical phenotype). Overall classification: Pathogenic for recessive titinopathy.

Literature cited by the submitters: DOI 10.1101/2025.07.17.25331147.

NM_001267550.2(TTN):c.91476T>A (p.Tyr30492Ter)

Genes: TTN (titin; minus strand), TTN-AS1 (TTN antisense RNA 1; plus strand). Cytogenetic location: 2q31.2.
Variant type: single nucleotide variant.
Coding change: c.91476T>A on transcript NM_001267550.2 (MANE Select); coding-DNA position 91476, T replaced by A.
Protein change: p.Tyr30492Ter; replaces tyrosine 30492 with a stop codon.
Molecular consequence: nonsense.
Genome position (GRCh38, 1-based): chr2:178,551,055, A>T on the plus strand (T>A on the coding strand, the complement: TTN is on the minus strand). VCF-style: chr2-178551055-A-T. GRCh37 (hg19) VCF-style: chr2-179415782-A-T.
Other names: c.86553T>A, p.Tyr28851Ter (NM_001256850.1); c.64281T>A, p.Tyr21427Ter (NM_003319.4); c.83772T>A, p.Tyr27924Ter (NM_133378.4); c.64656T>A, p.Tyr21552Ter (NM_133432.3); c.64857T>A, p.Tyr21619Ter (NM_133437.4); short protein forms Y21427*, Y21619*, Y27924*, Y21552*, Y28851*, Y30492*.
Identifiers: ClinVar variation 4795234 (VCV004795234.1).